The following is an entry in ClinVar:

ClinVar aggregate classification (germline): Uncertain significance (1 of 4 stars; one submission).

Conditions:
Methylmalonic aciduria and homocystinuria type cblF. Also called: VITAMIN B12 LYSOSOMAL RELEASE DEFECT; VITAMIN B12 STORAGE DISEASE; METHYLMALONIC ACIDEMIA AND HOMOCYSTINURIA, cblF TYPE; METHYLMALONIC ACIDURIA DUE TO VITAMIN B12-RELEASE DEFECT; COBALAMIN F DISEASE; COBALAMIN, DEFECT IN LYSOSOMAL RELEASE OF. Identifiers: Orphanet 79284, MedGen C1848578, MONDO:0010183, OMIM 277380.

Allele frequency attached by ClinVar (database versions not stated): gnomAD exomes below 0.00001.
gnomAD v4.1: 2 of 1,613,490 alleles (0.00012%); highest among the groups gnomAD compares: East Asian, 0.0022%; no homozygotes.

Submission:

Labcorp Genetics (formerly Invitae), Labcorp
Classification: Uncertain significance for Methylmalonic aciduria and homocystinuria type cblF. Last evaluated: 2021-12-17. Review status: criteria provided, single submitter. Criteria: Invitae Variant Classification Sherloc (09022015). Collection method: clinical testing. Allele origin: germline.
Comment: This sequence change replaces glycine, which is neutral and non-polar, with valine, which is neutral and non-polar, at codon 258 of the LMBRD1 protein (p.Gly258Val). This variant is not present in population databases (gnomAD no frequency). This variant has not been reported in the literature in individuals affected with LMBRD1-related conditions. Algorithms developed to predict the effect of missense changes on protein structure and function (SIFT, PolyPhen-2, Align-GVGD) all suggest that this variant is likely to be disruptive. In summary, the available evidence is currently insufficient to determine the role of this variant in disease. Therefore, it has been classified as a Variant of Uncertain Significance.

NM_018368.4(LMBRD1):c.773G>T (p.Gly258Val)

Gene: LMBRD1 (LMBR1 domain containing 1; minus strand). Cytogenetic location: 6q13.
Variant type: single nucleotide variant.
Coding change: c.773G>T on transcript NM_018368.4 (MANE Select); coding-DNA position 773, G replaced by T.
Protein change: p.Gly258Val; replaces glycine 258 with valine.
Molecular consequence: missense variant.
Genome position (GRCh38, 1-based): chr6:69,713,787, C>A on the plus strand (G>T on the coding strand, the complement: LMBRD1 is on the minus strand). VCF-style: chr6-69713787-C-A. GRCh37 (hg19) VCF-style: chr6-70423679-C-A.
Other names: c.554G>T, p.Gly185Val (NM_001363722.2, NM_001367271.1, NM_001367272.1); short protein forms G258V, G185V.
Identifiers: ClinVar variation 1984685 (VCV001984685.1), dbSNP rs1190963147, ClinGen allele CA364667629.